The following is an entry in ClinVar:

NM_000517.6(HBA2):c.94_95del (p.Arg32fs)

Genes: HBA2 (hemoglobin subunit alpha 2; plus strand), LOC106804612 (hemoglobin subunit alpha 2 recombination region; plus strand). Cytogenetic location: 16p13.3.
Variant type: Microsatellite.
Coding change: c.94_95del on transcript NM_000517.6 (MANE Select); coding-DNA positions 94 to 95, 2 bases deleted (AG; older notation c.94_95delAG).
Protein change: p.Arg32fs; shifts the reading frame from arginine 32.
Molecular consequence: frameshift variant.
Genome position (GRCh38, 1-based): chr16:173,006-173,007, AG deleted; deleting any 2 consecutive bases within chr16:173,003-173,007 gives the same sequence; the c. name uses the placement nearest the transcript's 3' end. VCF-style (leftmost placement, unchanged base first): chr16-173002-GGA-G. GRCh37 (hg19) VCF-style: chr16-223001-GGA-G.
Other names: c.94_95del (NM_000517.4); c.94_95delAG (NM_000517.5); short protein forms R32fs.
Identifiers: ClinVar variation 375744 (VCV000375744.8), dbSNP rs1057519637, ClinGen allele CA16602267.

ClinVar aggregate classification (germline): Pathogenic/Likely pathogenic. Review status: criteria provided, multiple submitters, no conflicts (2 of 4 stars). 3 submissions from 3 submitters: Pathogenic (1); Likely pathogenic (1). 1 of the submissions does not count toward it. Last evaluated 2025-05-29.

Conditions:
alpha Thalassemia. Also called: Alpha thalassemia spectrum. Identifiers: Orphanet 846, MedGen C0002312, MONDO:0011399, OMIM 604131.

Submissions (3):

Natera, Inc.
Classification: Likely pathogenic for Alpha thalassemia. Last evaluated: 2025-05-29. Review status: criteria provided, single submitter. Criteria: Natera Variant Classification Schema (03/2026). Collection method: clinical testing. Allele origin: germline.
Comment: The c.94_95delAG variant in HBA2 is a frameshift variant predicted to shift the reading frame beginning at codon 32 and leads to a stop codon 25 codons downstream. This variant is expected to result in nonsense mediated decay, truncation, or a dysfunctional protein product. This variant is rare in the general population with a frequency below the threshold expected for the associated phenotype(s). Given the available evidence, this variant is classified as Likely Pathogenic.

Quest Diagnostics Nichols Institute San Juan Capistrano
Classification: Pathogenic. Last evaluated: 2018-10-25. Review status: criteria provided, single submitter. Criteria: Quest Diagnostics criteria. Collection method: clinical testing. Allele origin: unknown.
Comment: This frameshift variant alters the translational reading frame of the mRNA and causes the premature termination of protein synthesis. The variant is found in at least one symptomatic individual, and not found in general population data.

GeneReviews
No classification provided. Condition: alpha Thalassemia. Review status: no classification provided. Collection method: literature only. Allele origin: germline. Not counted in ClinVar's aggregate classification.
Comment: The deletion of 2 nucleotides causes a frameshift & premature termination at codon [TAA].

Literature cited by the submitters: PubMed 2831226 (cited by Quest Diagnostics Nichols Institute San Juan Capistrano); PubMed 22187958 (cited by Quest Diagnostics Nichols Institute San Juan Capistrano); NCBI Bookshelf NBK1435 (cited by GeneReviews).